The following is an entry in ClinVar:

NM_005689.4(ABCB6):c.1562C>G (p.Thr521Ser)

Gene: ABCB6 (ATP binding cassette subfamily B member 6 (LAN blood group); minus strand). Cytogenetic location: 2q35.
Variant type: single nucleotide variant.
Coding change: c.1562C>G on transcript NM_005689.4 (MANE Select); coding-DNA position 1562, C replaced by G.
Protein change: p.Thr521Ser; replaces threonine 521 with serine.
Molecular consequence: missense variant.
Genome position (GRCh38, 1-based): chr2:219,213,842, G>C on the plus strand (C>G on the coding strand, the complement: ABCB6 is on the minus strand). VCF-style: chr2-219213842-G-C. GRCh37 (hg19) VCF-style: chr2-220078564-G-C.
Other names: p.Thr521Ser; c.1424C>G, p.Thr475Ser (NM_001349828.2); short protein forms T521S, T475S.
Identifiers: ClinVar variation 445477 (VCV000445477.44), dbSNP rs149363094, ClinGen allele CA2119337.

ClinVar aggregate classification (germline): Benign/Likely benign. Review status: criteria provided, multiple submitters, no conflicts (2 of 4 stars). 15 submissions from 12 submitters: Benign (8); Likely benign (3). 4 of the submissions do not count toward it. Last evaluated 2026-01-13.

Conditions:
Hereditary coproporphyria (HCP). Also called: Hereditary coproporphyria porphyria; Porphyria hepatica coproporphyria; Porphyria hepatica II; CPRO deficiency; COPROPORPHYRINOGEN OXIDASE DEFICIENCY; CPO DEFICIENCY. Identifiers: Orphanet 79273, MedGen C0162531, MONDO:0007369, OMIM 121300.
Protoporphyria, erythropoietic, 1 (EPP1). Also called: FERROCHELATASE DEFICIENCY; HEME SYNTHETASE DEFICIENCY; Erythropoietic Protoporphyria, Autosomal Recessive. Identifiers: Orphanet 79278, MedGen C4692546, MONDO:0008319, OMIM 177000.
Acute intermittent porphyria (AIP). Also called: HMBS deficiency; Hydroxymethylbilane Synthase Deficiency; Acute Porphyria; Acute intermittent porphyria (autosomal dominant); PBGD DEFICIENCY; PORPHOBILINOGEN DEAMINASE DEFICIENCY. Identifiers: Orphanet 79276, MedGen C0162565, MONDO:0008294, OMIM 176000.
Variegate porphyria (VP). Also called: PPOX DEFICIENCY; PORPHYRIA, SOUTH AFRICAN TYPE; PROTOPORPHYRINOGEN OXIDASE DEFICIENCY. Identifiers: Orphanet 79473, MedGen C0162532, MONDO:0008297, OMIM 176200.

Allele frequency attached by ClinVar (database versions not stated): ESP Exome Variant Server 0.00823; 1000 Genomes Project 0.00479; 1000 Genomes Project 30x 0.00484; gnomAD 0.00748 and 0.00792; TOPMed 0.00858.
gnomAD v4.1: 7,320 of 1,614,146 alleles (0.45%); highest among the groups gnomAD compares: African/African-American, 1.8%; 35 homozygotes.

Submissions (31):

Labcorp Genetics (formerly Invitae), Labcorp
Classification: Benign. Last evaluated: 2026-01-13. Review status: criteria provided, single submitter. Criteria: Invitae Variant Classification Sherloc (09022015). Collection method: clinical testing. Allele origin: germline.

CeGaT Center for Human Genetics Tuebingen
Classification: Benign. Last evaluated: 2024-03-01. Review status: criteria provided, single submitter. Criteria: CeGaT Center For Human Genetics Tuebingen Variant Classification Criteria Version 2. Collection method: clinical testing. Allele origin: germline. Affected: yes. Observed: 2 variant alleles.
Comment: ABCB6: BP4, BS1, BS2

Mayo Clinic Laboratories, Mayo Clinic
Classification: Benign. Last evaluated: 2024-01-23. Review status: criteria provided, single submitter. Criteria: ACMG Guidelines, 2015. Collection method: clinical testing. Allele origin: germline. Observed: 13 variant alleles.
Comment: BS1, BS2

Phillips Lab,  Hematology, University of Utah
Classification: Benign for Acute intermittent porphyria. Last evaluated: 2021-08-16. Review status: criteria provided, single submitter. Criteria: Submitter’s Publication. Collection method: clinical testing. Allele origin: unknown. Affected: yes.

Phillips Lab,  Hematology, University of Utah
Classification: Benign for Variegate porphyria. Last evaluated: 2021-08-16. Review status: criteria provided, single submitter. Criteria: Submitter’s Publication. Collection method: clinical testing. Allele origin: unknown. Affected: yes.

Phillips Lab,  Hematology, University of Utah
Classification: Benign for Hereditary coproporphyria. Last evaluated: 2021-08-16. Review status: criteria provided, single submitter. Criteria: Submitter’s Publication. Collection method: clinical testing. Allele origin: unknown. Affected: yes.

Phillips Lab,  Hematology, University of Utah
Classification: Benign for Protoporphyria, erythropoietic, 1. Last evaluated: 2021-08-16. Review status: criteria provided, single submitter. Criteria: Submitter’s Publication. Collection method: clinical testing. Allele origin: unknown. Affected: yes.

GeneDx
Classification: Likely benign. Last evaluated: 2021-03-23. Review status: criteria provided, single submitter. Criteria: GeneDx Variant Classification Process June 2021. Collection method: clinical testing. Allele origin: germline. Affected: yes.
Comment: See Variant Classification Assertion Criteria.

Dubai Health Genomic Medicine Center, Dubai Health
Classification: Benign. Last evaluated: 2020-01-02. Review status: criteria provided, single submitter. Criteria: ACMG Guidelines, 2015. Collection method: clinical testing. Allele origin: germline. Affected: yes.

Center for Pediatric Genomic Medicine, Children's Mercy Hospital and Clinics
Classification: Likely benign. Last evaluated: 2017-04-18. Review status: criteria provided, single submitter. Criteria: ACMG Guidelines, 2015. Collection method: clinical testing. Allele origin: germline.

Breakthrough Genomics
Classification: Likely benign. Review status: criteria provided, single submitter. Criteria: ACMG Guidelines, 2015. Collection method: not provided. Allele origin: germline. Inheritance: Autosomal dominant inheritance. Affected: yes.

Clinical Genetics DNA and cytogenetics Diagnostics Lab, Erasmus MC, Erasmus Medical Center
Classification: Likely benign. Review status: no assertion criteria provided. Collection method: clinical testing. Allele origin: germline. Affected: yes. Study: VKGL Data-share Consensus. Not counted in ClinVar's aggregate classification.

Clinical Genetics, Academic Medical Center
Classification: Benign. Review status: no assertion criteria provided. Collection method: clinical testing. Allele origin: germline. Affected: yes. Study: VKGL Data-share Consensus. Not counted in ClinVar's aggregate classification.

Dr. Peter K. Rogan Lab, Western University
No classification provided (evidence only). Condition: Clear cell carcinoma of kidney. Review status: no classification provided. Collection method: in vitro. Allele origin: not applicable. Functional consequence: retained intron. Not counted in ClinVar's aggregate classification.

Dr. Peter K. Rogan Lab, Western University
No classification provided (evidence only). Condition: Clear cell carcinoma of kidney. Review status: no classification provided. Collection method: in vitro. Allele origin: not applicable. Functional consequence: retained intron. Not counted in ClinVar's aggregate classification.

Dr. Peter K. Rogan Lab, Western University
No classification provided (evidence only). Condition: Clear cell carcinoma of kidney. Review status: no classification provided. Collection method: in vitro. Allele origin: not applicable. Functional consequence: retained intron. Not counted in ClinVar's aggregate classification.

Dr. Peter K. Rogan Lab, Western University
No classification provided (evidence only). Condition: Lung cancer. Review status: no classification provided. Collection method: in vitro. Allele origin: not applicable. Functional consequence: retained intron. Not counted in ClinVar's aggregate classification.

Dr. Peter K. Rogan Lab, Western University
No classification provided (evidence only). Condition: Lung cancer. Review status: no classification provided. Collection method: in vitro. Allele origin: not applicable. Functional consequence: skipped exon, retained intron. Not counted in ClinVar's aggregate classification.

Dr. Peter K. Rogan Lab, Western University
No classification provided (evidence only). Condition: Lung cancer. Review status: no classification provided. Collection method: in vitro. Allele origin: not applicable. Functional consequence: skipped exon, retained intron. Not counted in ClinVar's aggregate classification.

Dr. Peter K. Rogan Lab, Western University
No classification provided (evidence only). Condition: Lung cancer. Review status: no classification provided. Collection method: in vitro. Allele origin: not applicable. Functional consequence: retained intron. Not counted in ClinVar's aggregate classification.

Dr. Peter K. Rogan Lab, Western University
No classification provided (evidence only). Condition: Melanoma. Review status: no classification provided. Collection method: in vitro. Allele origin: not applicable. Functional consequence: retained intron. Not counted in ClinVar's aggregate classification.

Dr. Peter K. Rogan Lab, Western University
No classification provided (evidence only). Condition: Acute myeloid leukemia. Review status: no classification provided. Collection method: in vitro. Allele origin: not applicable. Functional consequence: retained intron. Not counted in ClinVar's aggregate classification.

Dr. Peter K. Rogan Lab, Western University
No classification provided (evidence only). Condition: Colorectal cancer. Review status: no classification provided. Collection method: in vitro. Allele origin: not applicable. Functional consequence: retained intron. Not counted in ClinVar's aggregate classification.

Dr. Peter K. Rogan Lab, Western University
No classification provided (evidence only). Condition: Thyroid cancer, nonmedullary, 1. Review status: no classification provided. Collection method: in vitro. Allele origin: not applicable. Functional consequence: retained intron. Not counted in ClinVar's aggregate classification.

Dr. Peter K. Rogan Lab, Western University
No classification provided (evidence only). Condition: Thyroid cancer, nonmedullary, 1. Review status: no classification provided. Collection method: in vitro. Allele origin: not applicable. Functional consequence: retained intron. Not counted in ClinVar's aggregate classification.

Dr. Peter K. Rogan Lab, Western University
No classification provided (evidence only). Condition: Ovarian serous cystadenocarcinoma. Review status: no classification provided. Collection method: in vitro. Allele origin: not applicable. Functional consequence: retained intron. Not counted in ClinVar's aggregate classification.

Dr. Peter K. Rogan Lab, Western University
No classification provided (evidence only). Condition: Adrenocortical carcinoma, hereditary. Review status: no classification provided. Collection method: in vitro. Allele origin: not applicable. Functional consequence: retained intron. Not counted in ClinVar's aggregate classification.

Dr. Peter K. Rogan Lab, Western University
No classification provided (evidence only). Condition: Uterine carcinosarcoma. Review status: no classification provided. Collection method: in vitro. Allele origin: not applicable. Functional consequence: retained intron. Not counted in ClinVar's aggregate classification.

Dr. Peter K. Rogan Lab, Western University
No classification provided (evidence only). Condition: Uveal melanoma. Review status: no classification provided. Collection method: in vitro. Allele origin: not applicable. Functional consequence: retained intron. Not counted in ClinVar's aggregate classification.

Genome Diagnostics Laboratory, University Medical Center Utrecht
Classification: Likely benign. Review status: no assertion criteria provided. Collection method: clinical testing. Allele origin: germline. Affected: yes. Study: VKGL Data-share Consensus. Not counted in ClinVar's aggregate classification.

Laboratory of Diagnostic Genome Analysis, Leiden University Medical Center (LUMC)
Classification: Likely benign. Review status: no assertion criteria provided. Collection method: clinical testing. Allele origin: germline. Affected: yes. Study: VKGL Data-share Consensus. Not counted in ClinVar's aggregate classification.

Literature cited by the submitters: PubMed 30271928 (cited by Mayo Clinic Laboratories, Mayo Clinic).